The following is an entry in ClinVar:

NM_006393.3(NEBL):c.1850A>G (p.Asn617Ser)

Gene: NEBL (nebulette; minus strand). Cytogenetic location: 10p12.31.
Variant type: single nucleotide variant.
Coding change: c.1850A>G on transcript NM_006393.3 (MANE Select); coding-DNA position 1850, A replaced by G.
Protein change: p.Asn617Ser; replaces asparagine 617 with serine.
Molecular consequence: missense variant. On other transcripts: intron variant (9).
Genome position (GRCh38, 1-based): chr10:20,826,466, T>C on the plus strand (A>G on the coding strand, the complement: NEBL is on the minus strand). VCF-style: chr10-20826466-T-C. GRCh37 (hg19) VCF-style: chr10-21115395-T-C.
Other names: c.250-13526A>G (NM_001377326.1, NM_001377327.1, NM_001377328.1); c.358-13526A>G (NM_213569.2, NM_001173484.2, NM_001377322.1); c.301-13526A>G (NM_001377324.1); c.292-13526A>G (NM_001377325.1); c.310-13526A>G (NM_001377323.1); short protein forms N617S.
Identifiers: ClinVar variation 5025461 (VCV005025461.1).

ClinVar aggregate classification (germline): Uncertain significance (1 of 4 stars; one submission).

gnomAD v4.1: 2 of 1,612,402 alleles (0.00012%); highest among the groups gnomAD compares: African/African-American, 0.0027%; no homozygotes.

Submission:

Ambry Genetics
Classification: Uncertain significance. Last evaluated: 2026-07-01. Review status: criteria provided, single submitter. Criteria: Ambry Variant Classification Scheme 2023. Collection method: clinical testing. Allele origin: germline.
Comment: The p.N617S variant (also known as c.1850A>G), located in coding exon 18 of the NEBL gene, results from an A to G substitution at nucleotide position 1850. The asparagine at codon 617 is replaced by serine, an amino acid with highly similar properties. This amino acid position is conserved. In addition, this alteration is predicted to be tolerated by in silico analysis. Based on the available evidence, the clinical significance of this variant remains unclear.